The following is an entry in ClinVar:

NM_024649.5(BBS1):c.1554G>C (p.Leu518=)

Genes: BBS1 (Bardet-Biedl syndrome 1; plus strand), ZDHHC24 (zDHHC palmitoyltransferase 24; minus strand). Cytogenetic location: 11q13.2.
Variant type: single nucleotide variant.
Coding change: c.1554G>C on transcript NM_024649.5 (MANE Select); coding-DNA position 1554, G replaced by C.
Protein change: p.Leu518=; no amino-acid change (leucine 518 retained).
Molecular consequence: synonymous variant. On other transcripts: intron variant (1).
Genome position (GRCh38, 1-based): chr11:66,530,974, G>C. VCF-style: chr11-66530974-G-C. GRCh37 (hg19) VCF-style: chr11-66298445-G-C.
Other names: c.560-1486C>G (NM_001348571.2).
Identifiers: ClinVar variation 1111149 (VCV001111149.10), dbSNP rs760568652, ClinGen allele CA6123809.

ClinVar aggregate classification (germline): Likely benign. Review status: criteria provided, multiple submitters, no conflicts (2 of 4 stars). 2 submissions from 2 submitters: Likely benign (2). Last evaluated 2026-09-01.

Conditions:
Bardet-Biedl syndrome (BBS). Identifiers: Orphanet 110, MedGen C0752166, MONDO:0015229.

Allele frequency attached by ClinVar (database versions not stated): TOPMed 0.00001.
gnomAD v4.1: 14 of 1,614,208 alleles (0.00087%); highest among the groups gnomAD compares: Non-Finnish European, 0.0011%; no homozygotes.

Submissions (2):

CeGaT Center for Human Genetics Tuebingen
Classification: Likely benign. Last evaluated: 2026-09-01. Review status: criteria provided, single submitter. Criteria: CeGaT Center For Human Genetics Tuebingen Variant Classification Criteria Version 2. Collection method: clinical testing. Allele origin: germline. Affected: yes. Observed: 1 variant allele.
Comment: BBS1: BP4, BP7

Labcorp Genetics (formerly Invitae), Labcorp
Classification: Likely benign for Bardet-Biedl syndrome. Last evaluated: 2023-11-02. Review status: criteria provided, single submitter. Criteria: Invitae Variant Classification Sherloc (09022015). Collection method: clinical testing. Allele origin: germline.